The following is an entry in ClinVar:

ClinVar aggregate classification (germline): Likely benign (1 of 4 stars; one submission).

gnomAD v4.1: 42 of 1,569,556 alleles (0.0027%); highest among the groups gnomAD compares: Admixed American, 0.005%; no homozygotes.

Submission:

CeGaT Center for Human Genetics Tuebingen
Classification: Likely benign. Last evaluated: 2026-06-01. Review status: criteria provided, single submitter. Criteria: CeGaT Center For Human Genetics Tuebingen Variant Classification Criteria Version 2. Collection method: clinical testing. Allele origin: germline. Affected: yes. Observed: 1 variant allele.
Comment: MAST3: BP4, BP7

NM_001393504.1(MAST3):c.2823C>T (p.Ser941=)

Gene: MAST3 (microtubule associated serine/threonine kinase 3; plus strand). Cytogenetic location: 19p13.11.
Variant type: single nucleotide variant.
Coding change: c.2823C>T on transcript NM_001393504.1 (MANE Select); coding-DNA position 2823, C replaced by T.
Protein change: p.Ser941=; no amino-acid change (serine 941 retained).
Molecular consequence: synonymous variant.
Genome position (GRCh38, 1-based): chr19:18,145,013, C>T. VCF-style: chr19-18145013-C-T. GRCh37 (hg19) VCF-style: chr19-18255823-C-T.
Other names: c.2847C>T, p.Ser949= (NM_001393501.1); c.2826C>T, p.Ser942= (NM_001393502.1); c.2823C>T, p.Ser941= (NM_001393503.1); c.2820C>T, p.Ser940= (NM_001393505.1); c.2775C>T, p.Ser925= (NM_001393506.1, NM_001393513.1); c.2802C>T, p.Ser934= (NM_001393507.1); c.2757C>T, p.Ser919= (NM_001393508.1, NM_001393516.1); c.2754C>T, p.Ser918= (NM_001393509.1, NM_001393510.1, NM_001393512.1 and 2 more transcripts); and 4 more.
Identifiers: ClinVar variation 4873052 (VCV004873052.2).
Genomic context (GRCh38, chr19:18,145,013, plus strand): 5'-CAGGGGAGACCTGTGAGGGAGTGAGTGACCCCCTCCCTAACCCCCTGCAGATGATGGCAG[C>T]GGCGGCCCCCTCATGAGCCCCCTTTCCCCGCGCTCTCTGTCCTCGAACCCGTCGTCCCGT-3'
Protein context (NP_001380433.1, residues 931-951): LSLIITADDG[Ser941=]GGPLMSPLSP